The following is an entry in ClinVar:

ClinVar aggregate classification (germline): Uncertain significance (1 of 4 stars; one submission).

Allele frequency attached by ClinVar (database versions not stated): gnomAD 0.00006; ExAC 0.00009; TOPMed 0.00009.
gnomAD v4.1: 62 of 1,612,116 alleles (0.0038%); highest among the groups gnomAD compares: South Asian, 0.052%; no homozygotes.

Submission:

Labcorp Genetics (formerly Invitae), Labcorp
Classification: Uncertain significance. Last evaluated: 2023-10-10. Review status: criteria provided, single submitter. Criteria: Invitae Variant Classification Sherloc (09022015). Collection method: clinical testing. Allele origin: germline.
Comment: This sequence change falls in intron 14 of the ANXA11 gene. It does not directly change the encoded amino acid sequence of the ANXA11 protein. It affects a nucleotide within the consensus splice site. This variant is present in population databases (rs748134350, gnomAD 0.04%), and has an allele count higher than expected for a pathogenic variant. This variant has not been reported in the literature in individuals affected with ANXA11-related conditions. Variants that disrupt the consensus splice site are a relatively common cause of aberrant splicing (PMID: 17576681, 9536098). Algorithms developed to predict the effect of sequence changes on RNA splicing suggest that this variant may create or strengthen a splice site. In summary, the available evidence is currently insufficient to determine the role of this variant in disease. Therefore, it has been classified as a Variant of Uncertain Significance.

Literature cited by the submitters: PubMed 17576681; PubMed 9536098.

NM_145868.2(ANXA11):c.1458+5G>A

Gene: ANXA11 (annexin A11; minus strand). Cytogenetic location: 10q22.3.
Variant type: single nucleotide variant.
Coding change: c.1458+5G>A on transcript NM_145868.2 (MANE Select); 5 bases into the intron after coding-DNA position 1458, G replaced by A.
Molecular consequence: intron variant.
Genome position (GRCh38, 1-based): chr10:80,157,636, C>T on the plus strand (G>A on the coding strand, the complement: ANXA11 is on the minus strand). VCF-style: chr10-80157636-C-T. GRCh37 (hg19) VCF-style: chr10-81917392-C-T.
Other names: c.1458+5G>A (NM_001278407.2, NM_001157.3, NM_145869.2 and 1 more transcripts); c.1359+5G>A (NM_001278409.2).
Identifiers: ClinVar variation 2976926 (VCV002976926.3), dbSNP rs748134350, ClinGen allele CA5575761.